The following is an entry in ClinVar:

ClinVar aggregate classification (germline): Uncertain significance (1 of 4 stars; one submission).

Submission:

Greenwood Genetic Center Diagnostic Laboratories, Greenwood Genetic Center
Classification: Uncertain significance. Last evaluated: 2025-10-02. Review status: criteria provided, single submitter. Criteria: ACMG Guidelines, 2015. Collection method: clinical testing. Allele origin: germline. Affected: yes.
Comment: Gene of Uncertain Significance

NM_001375765.1(GIGYF1):c.720G>A (p.Trp240Ter)

Gene: GIGYF1 (GRB10 interacting GYF protein 1; minus strand). Cytogenetic location: 7q22.1.
Variant type: single nucleotide variant.
Coding change: c.720G>A on transcript NM_001375765.1 (MANE Select); coding-DNA position 720, G replaced by A.
Protein change: p.Trp240Ter; replaces tryptophan 240 with a stop codon.
Molecular consequence: nonsense. On other transcripts: non-coding transcript variant (1).
Genome position (GRCh38, 1-based): chr7:100,686,408, C>T on the plus strand (G>A on the coding strand, the complement: GIGYF1 is on the minus strand). VCF-style: chr7-100686408-C-T. GRCh37 (hg19) VCF-style: chr7-100284031-C-T.
Other names: c.720G>A, p.Trp240Ter (NM_001375763.1, NM_001375764.1, NM_001375766.1 and 6 more transcripts); short protein forms W240*.
Identifiers: ClinVar variation 4845610 (VCV004845610.1).
Genomic context (GRCh38, chr7:100,686,408, plus strand): 5'-CCCTCCTCGATCCCCTCGCAAATCAAATTCAAACTTGCGCCGCCGTTCCCCATGTTCCCG[C>T]CAGCCAGCAGAGCGGGGACCACCATCTGCACAGGAAAAGTCAGGGAGAAGAAGAGTGGGT-3'